The following is an entry in ClinVar:

ClinVar aggregate classification (germline): Uncertain significance (1 of 4 stars; one submission).

Conditions:
Autosomal recessive limb-girdle muscular dystrophy type 2A (LGMDR1). Also called: LEYDEN-MOEBIUS MUSCULAR DYSTROPHY; MUSCULAR DYSTROPHY, PELVOFEMORAL; Limb-girdle muscular dystrophy, type 2A; Calpainopathy; Muscular dystrophy, limb-girdle, type 2A, Amish. Identifiers: Orphanet 267, MedGen C1869123, MONDO:0009675, OMIM 253600. Disease mechanism: loss of function.

Submission:

Labcorp Genetics (formerly Invitae), Labcorp
Classification: Uncertain significance for Autosomal recessive limb-girdle muscular dystrophy type 2A. Last evaluated: 2023-04-15. Review status: criteria provided, single submitter. Criteria: Invitae Variant Classification Sherloc (09022015). Collection method: clinical testing. Allele origin: germline.
Comment: In summary, the available evidence is currently insufficient to determine the role of this variant in disease. Therefore, it has been classified as a Variant of Uncertain Significance. Experimental studies and prediction algorithms are not available or were not evaluated, and the functional significance of this variant is currently unknown. This variant has not been reported in the literature in individuals affected with CAPN3-related conditions. This variant is not present in population databases (gnomAD no frequency). This variant, c.1832_1834del, results in the deletion of 1 amino acid(s) of the CAPN3 protein (p.Ser611del), but otherwise preserves the integrity of the reading frame.

NM_000070.3(CAPN3):c.1832_1834del (p.Ser611del)

Gene: CAPN3 (calpain 3; plus strand). Cytogenetic location: 15q15.1.
Variant type: Deletion.
Coding change: c.1832_1834del on transcript NM_000070.3 (MANE Select); coding-DNA positions 1832 to 1834, 3 bases deleted (GCA; older notation c.1832_1834delGCA).
Protein change: p.Ser611del; deletes serine 611.
Molecular consequence: inframe deletion. On other transcripts: intron variant (3).
Genome position (GRCh38, 1-based): chr15:42,408,242-42,408,244, GCA deleted; deleting any 3 consecutive bases within chr15:42,408,240-42,408,244 gives the same sequence; the c. name uses the placement nearest the transcript's 3' end. VCF-style (leftmost placement, unchanged base first): chr15-42408239-ACAG-A. GRCh37 (hg19) VCF-style: chr15-42700437-ACAG-A.
Other names: c.1814_1816del, p.Ser605del (NM_024344.2); c.296_298del, p.Ser99del (NM_173088.2); c.*930_*932delGCA (NM_212464.2); c.*1507_*1509delGCA (NM_212467.2); c.1639-1061_1639-1059del (NM_173087.2); c.-81-1061_-81-1059del (NM_173090.2, NM_173089.2); short protein forms S605del, S611del, S99del.
Identifiers: ClinVar variation 2852804 (VCV002852804.3), dbSNP rs2548287797, ClinGen allele CA2739278768.